The following is an entry in ClinVar:

ClinVar aggregate classification (germline): Pathogenic (1 of 4 stars; one submission).

Submission:

Labcorp Genetics (formerly Invitae), Labcorp
Classification: Pathogenic. Last evaluated: 2023-02-22. Review status: criteria provided, single submitter. Criteria: Invitae Variant Classification Sherloc (09022015). Collection method: clinical testing. Allele origin: germline.
Comment: For these reasons, this variant has been classified as Pathogenic. This variant has not been reported in the literature in individuals affected with PCNT-related conditions. This variant is not present in population databases (gnomAD no frequency). This sequence change creates a premature translational stop signal (p.Val2470Serfs*62) in the PCNT gene. It is expected to result in an absent or disrupted protein product. Loss-of-function variants in PCNT are known to be pathogenic (PMID: 18174396, 22821869).

Literature cited by the submitters: PubMed 18174396; PubMed 22821869.

NM_006031.6(PCNT):c.7407_7408insTC (p.Val2470fs)

Gene: PCNT (pericentrin; plus strand). Cytogenetic location: 21q22.3.
Variant type: Insertion.
Coding change: c.7407_7408insTC on transcript NM_006031.6 (MANE Select); coding-DNA positions 7407 to 7408, TC inserted.
Protein change: p.Val2470fs; shifts the reading frame from valine 2470.
Molecular consequence: frameshift variant.
Genome position: GRCh38 VCF-style: chr21-46427708-G-GTC. GRCh37 (hg19) VCF-style: chr21-47847622-G-GTC.
Other names: c.7053_7054insTC, p.Val2352fs (NM_001315529.2); short protein forms V2352fs, V2470fs.
Identifiers: ClinVar variation 2839897 (VCV002839897.3), dbSNP rs2518962146, ClinGen allele CA2739267773.